The following is an entry in ClinVar:

NM_001792.5(CDH2):c.1471G>C (p.Val491Leu)

Gene: CDH2 (cadherin 2; minus strand). Cytogenetic location: 18q12.1.
Variant type: single nucleotide variant.
Coding change: c.1471G>C on transcript NM_001792.5 (MANE Select); coding-DNA position 1471, G replaced by C.
Protein change: p.Val491Leu; replaces valine 491 with leucine.
Molecular consequence: missense variant.
Genome position (GRCh38, 1-based): chr18:27,990,224, C>G on the plus strand (G>C on the coding strand, the complement: CDH2 is on the minus strand). VCF-style: chr18-27990224-C-G. GRCh37 (hg19) VCF-style: chr18-25570188-C-G.
Other names: c.1378G>C, p.Val460Leu (NM_001308176.2); c.1471G>C (NM_001792.3); short protein forms V491L, V460L.
Identifiers: ClinVar variation 1978900 (VCV001978900.7), dbSNP rs201148355, ClinGen allele CA8923387.
Genomic context (GRCh38, chr18:27,990,224, plus strand): 5'-GAAGCCCTTCTTCTTGGCGAATGATCTTAGGATTGGGGGCAAAATAAGGGTTTTCATTTA[C>G]GTCAATAACTGTAACAGACACGGTTGCAGTTGACTGAGGGGGGTGCTGAATTCCCTTGGC-3'
Protein context (NP_001783.2, residues 481-501): TATVSVTVID[Val491Leu]NENPYFAPNP

ClinVar aggregate classification (germline): Conflicting classifications of pathogenicity. Review status: criteria provided, conflicting classifications (1 of 4 stars). 3 submissions from 3 submitters: Likely pathogenic (1); Uncertain significance (2). Last evaluated 2025-09-17.

Conditions:
Auditory neuropathy. Identifiers: MedGen C1852271, MONDO:0021944.
Inborn genetic diseases. Identifiers: MedGen C0950123, MeSH D030342.

Allele frequency attached by ClinVar (database versions not stated): gnomAD 0.00002; 1000 Genomes Project 0.00020; 1000 Genomes Project 30x 0.00031.
gnomAD v4.1: 13 of 1,614,082 alleles (0.00081%); highest among the groups gnomAD compares: East Asian, 0.02%; no homozygotes.

Submissions (3):

Labcorp Genetics (formerly Invitae), Labcorp
Classification: Uncertain significance. Last evaluated: 2025-09-17. Review status: criteria provided, single submitter. Criteria: Invitae Variant Classification Sherloc (09022015). Collection method: clinical testing. Allele origin: germline.
Comment: This sequence change replaces valine, which is neutral and non-polar, with leucine, which is neutral and non-polar, at codon 491 of the CDH2 protein (p.Val491Leu). This variant is present in population databases (rs201148355, gnomAD 0.02%). This variant has not been reported in the literature in individuals affected with CDH2-related conditions. ClinVar contains an entry for this variant (Variation ID: 1978900). An algorithm developed to predict the effect of missense changes on protein structure and function (PolyPhen-2) suggests that this variant is likely to be tolerated. In summary, the available evidence is currently insufficient to determine the role of this variant in disease. Therefore, it has been classified as a Variant of Uncertain Significance.

WangQJ Lab, Chinese People's Liberation Army General Hospital
Classification: Likely pathogenic for Auditory neuropathy. Last evaluated: 2023-12-22. Review status: criteria provided, single submitter. Criteria: Submitter's publication. Collection method: research. Allele origin: germline. Affected: yes. Observed: 1 variant allele.

Ambry Genetics
Classification: Uncertain significance for Inborn genetic diseases. Last evaluated: 2023-06-07. Review status: criteria provided, single submitter. Criteria: Ambry Variant Classification Scheme 2023. Collection method: clinical testing. Allele origin: germline.